The following is an entry in ClinVar:

NM_000444.6(PHEX):c.1240_1241delinsG (p.Leu414fs)

Gene: PHEX (phosphate regulating endopeptidase X-linked; plus strand). Cytogenetic location: Xp22.11.
Variant type: Indel.
Coding change: c.1240_1241delinsG on transcript NM_000444.6 (MANE Select); coding-DNA positions 1240 to 1241, CT replaced by G.
Protein change: p.Leu414fs; shifts the reading frame from leucine 414.
Molecular consequence: frameshift variant.
Genome position (GRCh38, 1-based): chrX:22,114,524-22,114,525, CT replaced by G. VCF-style: chrX-22114524-CT-G. GRCh37 (hg19) VCF-style: chrX-22132642-CT-G.
Other names: c.1240_1241delinsG, p.Leu414fs (NM_001282754.2); short protein forms L414fs.
Identifiers: ClinVar variation 5040763 (VCV005040763.1).

ClinVar aggregate classification (germline): Pathogenic (1 of 4 stars; one submission).

Submission:

CeGaT Center for Human Genetics Tuebingen
Classification: Pathogenic. Last evaluated: 2026-08-01. Review status: criteria provided, single submitter. Criteria: CeGaT Center For Human Genetics Tuebingen Variant Classification Criteria Version 2. Collection method: clinical testing. Allele origin: germline. Affected: yes. Observed: 1 variant allele.
Comment: PHEX: PVS1, PM2, PS2:Moderate